The following is an entry in ClinVar:

ClinVar aggregate classification (germline): Likely pathogenic (1 of 4 stars; one submission).

Submission:

GeneDx
Classification: Likely pathogenic. Last evaluated: 2016-03-10. Review status: criteria provided, single submitter. Criteria: GeneDx Variant Classification (06012015). Collection method: clinical testing. Allele origin: germline. Affected: yes.
Comment: The S185Y variant in the COL4A3BP gene has not been reported previously as a pathogenic variant, nor as a benign variant, to our knowledge. The S185Y variant was not observed in approximately 6500 individuals of European and African American ancestry in the NHLBI Exome Sequencing Project, indicating it is not a common benign variant in these populations. The S185Y variant is a semi-conservative amino acid substitution, which may impact secondary protein structure as these residues differ in some properties. This substitution occurs at a position that is conserved across species. In silico analysis predicts this variant is probably damaging to the protein structure/function. The S185Y variant is a strong candidate for a pathogenic variant, however the possibility it may be a rare benign variant cannot be excluded.

NM_001379029.1(CERT1):c.170C>A (p.Ser57Tyr)

Gene: CERT1 (ceramide transporter 1; minus strand). Cytogenetic location: 5q13.3.
Variant type: single nucleotide variant.
Coding change: c.170C>A on transcript NM_001379029.1 (MANE Select); coding-DNA position 170, C replaced by A.
Protein change: p.Ser57Tyr; replaces serine 57 with tyrosine.
Molecular consequence: missense variant.
Genome position (GRCh38, 1-based): chr5:75,506,043, G>T on the plus strand (C>A on the coding strand, the complement: CERT1 is on the minus strand). VCF-style: chr5-75506043-G-T. GRCh37 (hg19) VCF-style: chr5-74801868-G-T.
Other names: c.554C>A, p.Ser185Tyr (NM_001130105.1); c.170C>A, p.Ser57Tyr (NM_001379002.1, NM_001379003.1, NM_001379004.1 and 2 more transcripts); short protein forms S185Y, S57Y.
Identifiers: ClinVar variation 384775 (VCV000384775.2), dbSNP rs1057522045, ClinGen allele CA16604823.
Genomic context (GRCh38, chr5:75,506,043, plus strand): 5'-GTGATGACAGCCTTGCTAAGACAGATGGATCCTCTGCAGCCATACTCTGTTTCATCTTCA[G>T]ATTTGTAGTAACTCAGAGCATTATTTTTCAAAACTACCCAACGATCCTGCCACCCATGAA-3'
Protein context (NP_001365958.1, residues 47-67): LKNNALSYYK[Ser57Tyr]EDETEYGCRG